The following is an entry in ClinVar:

NM_001024630.4(RUNX2):c.1081C>T (p.Gln361Ter)

Gene: RUNX2 (RUNX family transcription factor 2; plus strand). Cytogenetic location: 6p21.1.
Variant type: single nucleotide variant.
Coding change: c.1081C>T on transcript NM_001024630.4 (MANE Select); coding-DNA position 1081, C replaced by T.
Protein change: p.Gln361Ter; replaces glutamine 361 with a stop codon.
Molecular consequence: nonsense. On other transcripts: intron variant (2).
Genome position (GRCh38, 1-based): chr6:45,545,276, C>T. VCF-style: chr6-45545276-C-T. GRCh37 (hg19) VCF-style: chr6-45513013-C-T.
Other names: c.1039C>T, p.Gln347Ter (NM_001369405.1); c.1022-1551C>T (NM_001015051.4); c.980-1551C>T (NM_001278478.2); short protein forms Q347*, Q361*.
Identifiers: ClinVar variation 1185697 (VCV001185697.2), dbSNP rs2150452063, ClinGen allele CA363956442.

ClinVar aggregate classification (germline): Pathogenic (1 of 4 stars; one submission).

Conditions:
Cleidocranial dysostosis (CLCD1). Also called: cleidocranial dysplasia 1; Cleidocranial Dysplasia Spectrum Disorder; Marie-Sainton disease. Identifiers: Orphanet 1452, MedGen C0008928, MONDO:0007340, OMIM 119600.

Submission:

Center of Excellence in Precision Medicine and Digital Health (CEPMDH), Faculty of Dentistry, Chulalongkorn University
Classification: Pathogenic for Cleidocranial dysostosis. Review status: criteria provided, single submitter. Criteria: ACMG Guidelines, 2015. Collection method: clinical testing. Allele origin: maternal. Inheritance: Autosomal dominant inheritance. Affected: yes. Observed: 1 variant allele, 1 heterozygote.
Comment: The variant is classified as pathogenic by ACMG guideline. Truncated variants in RUNX2 were previously reported to be associated with cleidocranial dysplasia (Gao X et al., 2019).